The following is an entry in ClinVar:

ClinVar aggregate classification (germline): Benign. Review status: criteria provided, multiple submitters, no conflicts (2 of 4 stars). 6 submissions from 6 submitters: Benign (6). Last evaluated 2026-05-09.

Conditions:
Curry-Hall syndrome (WAD). Also called: WEYERS ACRODENTAL DYSOSTOSIS. Identifiers: Orphanet 952, MedGen C0457013, MONDO:0008673, OMIM 193530.
Ellis-van Creveld syndrome (EVC). Also called: MESOECTODERMAL DYSPLASIA; Chondroectodermal dysplasia. Identifiers: Orphanet 289, MedGen C0013903, MONDO:0009162, OMIM 225500.

Allele frequency attached by ClinVar (database versions not stated): gnomAD 0.02462 and 0.02666; TOPMed 0.02757; 1000 Genomes Project 0.02875; ESP Exome Variant Server 0.02952; 1000 Genomes Project 30x 0.03139.
gnomAD v4.1: 7,279 of 1,614,082 alleles (0.45%); highest among the groups gnomAD compares: African/African-American, 8.5%; 294 homozygotes.

Submissions (10):

Women's Health and Genetics/Laboratory Corporation of America, LabCorp
Classification: Benign. Last evaluated: 2026-05-09. Review status: criteria provided, single submitter. Criteria: LabCorp Variant Classification Summary - May 2015. Collection method: clinical testing. Allele origin: germline.

Labcorp Genetics (formerly Invitae), Labcorp
Classification: Benign for Curry-Hall syndrome; Ellis-van Creveld syndrome. Last evaluated: 2026-02-04. Review status: criteria provided, single submitter. Criteria: Invitae Variant Classification Sherloc (09022015). Collection method: clinical testing. Allele origin: germline.

ARUP Laboratories, Molecular Genetics and Genomics, ARUP Laboratories
Classification: Benign. Last evaluated: 2024-12-27. Review status: criteria provided, single submitter. Criteria: ARUP Molecular Germline Variant Investigation Process 2024. Collection method: clinical testing. Allele origin: germline.

Illumina Laboratory Services, Illumina
Classification: Benign for Ellis-van Creveld syndrome. Last evaluated: 2018-01-12. Review status: criteria provided, single submitter. Criteria: ICSL Variant Classification Criteria 13 December 2019. Collection method: clinical testing. Allele origin: germline.
Comment: This variant was observed in the ICSL laboratory as part of a predisposition screen in an ostensibly healthy population. It had not been previously curated by ICSL or reported in the Human Gene Mutation Database (HGMD: prior to June 1st, 2018), and was therefore a candidate for classification through an automated scoring system. Utilizing variant allele frequency, disease prevalence and penetrance estimates, and inheritance mode, an automated score was calculated to assess if this variant is too frequent to cause the disease. Based on the score and internal cut-off values, a variant classified as benign is not then subjected to further curation. The score for this variant resulted in a classification of benign for this disease.

GeneDx
Classification: Benign. Last evaluated: 2016-10-10. Review status: criteria provided, single submitter. Criteria: GeneDx Variant Classification (06012015). Collection method: clinical testing. Allele origin: germline. Affected: yes.
Comment: This variant is considered likely benign or benign based on one or more of the following criteria: it is a conservative change, it occurs at a poorly conserved position in the protein, it is predicted to be benign by multiple in silico algorithms, and/or has population frequency not consistent with disease.

Breakthrough Genomics
Classification: Benign. Review status: criteria provided, single submitter. Criteria: ACMG Guidelines, 2015. Collection method: not provided. Allele origin: germline. Inheritance: Autosomal recessive inheritance. Affected: yes.

Dr. Peter K. Rogan Lab, Western University
No classification provided (evidence only). Condition: Thyroid cancer, nonmedullary, 1. Review status: no classification provided. Collection method: in vitro. Allele origin: not applicable. Functional consequence: retained intron. Not counted in ClinVar's aggregate classification.

Dr. Peter K. Rogan Lab, Western University
No classification provided (evidence only). Condition: Cervical cancer. Review status: no classification provided. Collection method: in vitro. Allele origin: not applicable. Functional consequence: skipped exon. Not counted in ClinVar's aggregate classification.

Dr. Peter K. Rogan Lab, Western University
No classification provided (evidence only). Condition: Cervical cancer. Review status: no classification provided. Collection method: in vitro. Allele origin: not applicable. Functional consequence: retained intron. Not counted in ClinVar's aggregate classification.

Dr. Peter K. Rogan Lab, Western University
No classification provided (evidence only). Condition: Sarcoma. Review status: no classification provided. Collection method: in vitro. Allele origin: not applicable. Functional consequence: retained intron. Not counted in ClinVar's aggregate classification.

NM_147127.5(EVC2):c.1059C>T (p.Gly353=)

Gene: EVC2 (EvC ciliary complex subunit 2; minus strand). Cytogenetic location: 4p16.2.
Variant type: single nucleotide variant.
Coding change: c.1059C>T on transcript NM_147127.5 (MANE Select); coding-DNA position 1059, C replaced by T.
Protein change: p.Gly353=; no amino-acid change (glycine 353 retained).
Molecular consequence: synonymous variant.
Genome position (GRCh38, 1-based): chr4:5,663,193, G>A on the plus strand (C>T on the coding strand, the complement: EVC2 is on the minus strand). VCF-style: chr4-5663193-G-A. GRCh37 (hg19) VCF-style: chr4-5664920-G-A.
Other names: c.819C>T, p.Gly273= (NM_001166136.2).
Identifiers: ClinVar variation 349091 (VCV000349091.32), dbSNP rs77793386, ClinGen allele CA2835166.